The following is an entry in ClinVar:

ClinVar aggregate classification (germline): Uncertain significance (1 of 4 stars; one submission).

Allele frequency attached by ClinVar (database versions not stated): gnomAD 0.00001 and 0.00002; TOPMed 0.00003; gnomAD exomes 0.00004; ExAC 0.00005.
gnomAD v4.1: 36 of 1,613,908 alleles (0.0022%); highest among the groups gnomAD compares: East Asian, 0.013%; no homozygotes.

Submission:

Labcorp Genetics (formerly Invitae), Labcorp
Classification: Uncertain significance. Last evaluated: 2022-01-28. Review status: criteria provided, single submitter. Criteria: Invitae Variant Classification Sherloc (09022015). Collection method: clinical testing. Allele origin: germline.
Comment: This sequence change replaces arginine, which is basic and polar, with histidine, which is basic and polar, at codon 2785 of the VPS13C protein (p.Arg2785His). This variant is present in population databases (rs754252155, gnomAD 0.03%). This variant has not been reported in the literature in individuals affected with VPS13C-related conditions. Algorithms developed to predict the effect of missense changes on protein structure and function are either unavailable or do not agree on the potential impact of this missense change (SIFT: "Deleterious"; PolyPhen-2: "Benign"; Align-GVGD: "Class C0"). In summary, the available evidence is currently insufficient to determine the role of this variant in disease. Therefore, it has been classified as a Variant of Uncertain Significance.

NM_020821.3(VPS13C):c.8354G>A (p.Arg2785His)

Gene: VPS13C (vacuolar protein sorting 13 homolog C; minus strand). Cytogenetic location: 15q22.2.
Variant type: single nucleotide variant.
Coding change: c.8354G>A on transcript NM_020821.3 (MANE Select); coding-DNA position 8354, G replaced by A.
Protein change: p.Arg2785His; replaces arginine 2785 with histidine.
Molecular consequence: missense variant.
Genome position (GRCh38, 1-based): chr15:61,915,724, C>T on the plus strand (G>A on the coding strand, the complement: VPS13C is on the minus strand). VCF-style: chr15-61915724-C-T. GRCh37 (hg19) VCF-style: chr15-62207923-C-T.
Other names: c.8354G>A, p.Arg2785His (NM_001018088.3); c.8225G>A, p.Arg2742His (NM_017684.5, NM_018080.4); short protein forms R2742H, R2785H.
Identifiers: ClinVar variation 1357535 (VCV001357535.3), dbSNP rs754252155, ClinGen allele CA7595021.